The following is an entry in ClinVar:

ClinVar aggregate classification (germline): Pathogenic/Likely pathogenic. Review status: criteria provided, multiple submitters, no conflicts (2 of 4 stars). 7 submissions from 7 submitters: Pathogenic (2); Likely pathogenic (3). 2 of the submissions do not count toward it. Last evaluated 2024-10-11.

Conditions:
Isolated cerebellar hypoplasia/agenesis (CHEGDD). Also called: Cerebellar hypoplasia/atrophy, epilepsy, and global developmental delay. Identifiers: Orphanet 1398, Orphanet 2246, MedGen C5231391, MONDO:0008939, OMIM 213000.
Pontoneocerebellar hypoplasia. Also called: Non-syndromic pontocerebellar hypoplasia; Pontocerebellar hypoplasia. Identifiers: Orphanet 98523, MedGen C1261175, MONDO:0020135.
Pontocerebellar hypoplasia type 6 (PCH6). Identifiers: Orphanet 166073, MedGen C1969084, MONDO:0012683, OMIM 611523.

Allele frequency attached by ClinVar (database versions not stated): gnomAD exomes 0.00001 and 0.00009.
gnomAD v4.1: 126 of 1,603,720 alleles (0.0079%); highest among the groups gnomAD compares: Non-Finnish European, 0.011%; no homozygotes.

Submissions (7):

Natera, Inc.
Classification: Likely pathogenic for Pontocerebellar hypoplasia, type 6. Last evaluated: 2024-10-11. Review status: criteria provided, single submitter. Criteria: Natera Variant Classification Schema (03/2026). Collection method: clinical testing. Allele origin: germline.
Comment: The c.848T>A variant in RARS2 is a missense variant predicted to cause substitution of leucine to glutamine at amino acid 283. This variant is rare in the general population with a frequency below the threshold expected for the associated phenotype(s). This variant has been observed in one or more individuals affected with the associated recessive disease, as either homozygous or compound heterozygous with a second variant (PMID: 29881806, 27061686). This variant has been observed to segregate in affected family members (PMID: 27061686). This variant has been identified in one or more affected individual with a phenotype highly consistent with the associated gene (PMID: 29881806). Computational prediction algorithms indicate this variant is likely to affect gene or protein function. Given the available evidence, this variant is classified as Likely Pathogenic.

Labcorp Genetics (formerly Invitae), Labcorp
Classification: Pathogenic. Last evaluated: 2024-02-04. Review status: criteria provided, single submitter. Criteria: Invitae Variant Classification Sherloc (09022015). Collection method: clinical testing. Allele origin: germline.
Comment: This sequence change replaces leucine, which is neutral and non-polar, with glutamine, which is neutral and polar, at codon 283 of the RARS2 protein (p.Leu283Gln). This variant is present in population databases (no rsID available, gnomAD 0.002%). This missense change has been observed in individual(s) with clinical features of pontocerebellar hypoplasia (PMID: 2706168, 25533962, 29881806, 31429931, 31474318). In at least one individual the data is consistent with being in trans (on the opposite chromosome) from a pathogenic variant. ClinVar contains an entry for this variant (Variation ID: 632596). Advanced modeling of protein sequence and biophysical properties (such as structural, functional, and spatial information, amino acid conservation, physicochemical variation, residue mobility, and thermodynamic stability) performed at Invitae indicates that this missense variant is expected to disrupt RARS2 protein function with a positive predictive value of 80%. For these reasons, this variant has been classified as Pathogenic.

Baylor Genetics
Classification: Likely pathogenic for Pontocerebellar hypoplasia type 6. Last evaluated: 2021-11-04. Review status: criteria provided, single submitter. Criteria: ACMG Guidelines, 2015. Collection method: clinical testing. Allele origin: unknown.

Women's Health and Genetics/Laboratory Corporation of America, LabCorp
Classification: Pathogenic for Pontoneocerebellar hypoplasia. Last evaluated: 2021-08-02. Review status: criteria provided, single submitter. Criteria: LabCorp Variant Classification Summary - May 2015. Collection method: clinical testing. Allele origin: germline.
Comment: Variant summary: RARS2 c.848T>A (p.Leu283Gln) results in a non-conservative amino acid change located in the Arginyl-tRNA synthetase, catalytic core domain of the encoded protein sequence. Five of five in-silico tools predict a damaging effect of the variant on protein function. The variant allele was found at a frequency of 8e-06 in 251248 control chromosomes. c.848T>A has been reported in the literature in multiple individuals affected with Pontocerebellar Hypoplasia, Type 6 or related diseases (e.g. Fitzgerald_2015, Ngoh_2016, Mathew_2018). These data indicate that the variant is very likely to be associated with disease. One clinical diagnostic laboratory has submitted clinical-significance assessments for this variant to ClinVar after 2014 without evidence for independent evaluation and classified the variant as likely pathogenic. Based on the evidence outlined above, the variant was classified as pathogenic.

Kasturba Medical College, Manipal, Kasturba Medical College, Manipal, Manipal Academy of Higher Education, Manipal, India
Classification: Likely pathogenic for Pontocerebellar hypoplasia type 6. Review status: criteria provided, single submitter. Criteria: ACMG Guidelines, 2015. Collection method: clinical testing. Allele origin: germline. Inheritance: Autosomal recessive inheritance. Affected: yes. Observed: 1 homozygote.

Dobyns Lab, Seattle Children's Research Institute
Classification: Likely pathogenic for Pontocerebellar hypoplasia type 6. Last evaluated: 2019-02-18. Review status: no assertion criteria provided. Collection method: research. Allele origin: germline. Affected: yes. Observed: 1 variant allele. Not counted in ClinVar's aggregate classification.

University of Washington Center for Mendelian Genomics, University of Washington
Classification: Likely pathogenic for Cerebellar hypoplasia. Review status: no assertion criteria provided. Collection method: research. Allele origin: inherited. Affected: yes. Not counted in ClinVar's aggregate classification.

Literature cited by the submitters: PubMed 29881806 (cited by 4 submitters); PubMed 27061686 (cited by Natera, Inc. and Women's Health and Genetics/Laboratory Corporation of America, LabCorp); PubMed 2706168 (cited by Labcorp Genetics (formerly Invitae), Labcorp); PubMed 25533962 (cited by Labcorp Genetics (formerly Invitae), Labcorp); PubMed 31429931 (cited by Labcorp Genetics (formerly Invitae), Labcorp); PubMed 31474318 (cited by Labcorp Genetics (formerly Invitae), Labcorp and University of Washington Center for Mendelian Genomics, University of Washington).

NM_020320.5(RARS2):c.848T>A (p.Leu283Gln)

Gene: RARS2 (arginyl-tRNA synthetase 2, mitochondrial; minus strand). Cytogenetic location: 6q15.
Variant type: single nucleotide variant.
Coding change: c.848T>A on transcript NM_020320.5 (MANE Select); coding-DNA position 848, T replaced by A.
Protein change: p.Leu283Gln; replaces leucine 283 with glutamine.
Molecular consequence: missense variant. On other transcripts: non-coding transcript variant (23).
Genome position (GRCh38, 1-based): chr6:87,529,572, A>T on the plus strand (T>A on the coding strand, the complement: RARS2 is on the minus strand). VCF-style: chr6-87529572-A-T. GRCh37 (hg19) VCF-style: chr6-88239290-A-T.
Other names: c.323T>A, p.Leu108Gln (NM_001318785.2, NM_001350506.2, NM_001350507.2 and 4 more transcripts); c.848T>A, p.Leu283Gln (NM_001350505.2); short protein forms L283Q, L108Q.
Identifiers: ClinVar variation 632596 (VCV000632596.17), dbSNP rs1258569046, ClinGen allele CA364928605.